The following is an entry in ClinVar:

NM_002739.5(PRKCG):c.450C>G (p.Cys150Trp)

Gene: PRKCG (protein kinase C gamma; plus strand). Cytogenetic location: 19q13.42.
Variant type: single nucleotide variant.
Coding change: c.450C>G on transcript NM_002739.5 (MANE Select); coding-DNA position 450, C replaced by G.
Protein change: p.Cys150Trp; replaces cysteine 150 with tryptophan.
Molecular consequence: missense variant.
Genome position (GRCh38, 1-based): chr19:53,889,938, C>G. VCF-style: chr19-53889938-C-G. GRCh37 (hg19) VCF-style: chr19-54393192-C-G.
Other names: c.450C>G, p.Cys150Trp (NM_001316329.2); short protein forms C150W.
Identifiers: ClinVar variation 1184998 (VCV001184998.4), dbSNP rs1385053433, ClinGen allele CA407414449.

ClinVar aggregate classification (germline): Uncertain significance. Review status: criteria provided, single submitter (1 of 4 stars). 2 submissions from 2 submitters: Uncertain significance (1). 1 of the submissions does not count toward it. Last evaluated 2025-10-14.

Conditions:
Cerebellar ataxia. Identifiers: Orphanet 102002, MedGen C0007758, MONDO:0000437.

Submissions (2):

Women's Health and Genetics/Laboratory Corporation of America, LabCorp
Classification: Uncertain significance. Last evaluated: 2025-10-14. Review status: criteria provided, single submitter. Criteria: LabCorp Variant Classification Summary - May 2015. Collection method: clinical testing. Allele origin: germline.
Comment: Variant summary: PRKCG c.450C>G (p.Cys150Trp) results in a non-conservative amino acid change in the encoded protein sequence. Algorithms developed to predict the effect of missense changes on protein structure and function all suggest that this variant is likely to be disruptive. The frequency data for this variant in gnomAD is considered unreliable, as metrics indicate poor data quality at this position. To our knowledge, no occurrence of c.450C>G in individuals affected with PRKCG-related conditions and no experimental evidence demonstrating its impact on protein function have been reported. ClinVar contains an entry for this variant (Variation ID: 1184998). Based on the evidence outlined above, the variant was classified as uncertain significance.

Institute of Human Genetics, University of Wuerzburg
Classification: Likely pathogenic for Ataxia. Review status: no assertion criteria provided. Collection method: clinical testing. Allele origin: unknown. Not counted in ClinVar's aggregate classification.